The following is an entry in ClinVar:

NM_002386.4(MC1R):c.252C>A (p.Asp84Glu)

Gene: MC1R (melanocortin 1 receptor; plus strand). Cytogenetic location: 16q24.3.
Variant type: single nucleotide variant.
Coding change: c.252C>A on transcript NM_002386.4 (MANE Select); coding-DNA position 252, C replaced by A.
Protein change: p.Asp84Glu; replaces aspartic acid 84 with glutamic acid.
Molecular consequence: missense variant.
Genome position (GRCh38, 1-based): chr16:89,919,510, C>A. VCF-style: chr16-89919510-C-A. GRCh37 (hg19) VCF-style: chr16-89985918-C-A.
Other names: short protein forms D84E.
Identifiers: ClinVar variation 14309 (VCV000014309.63), dbSNP rs1805006, ClinGen allele CA123865.

ClinVar aggregate classification (germline): Conflicting classifications of pathogenicity. Review status: criteria provided, conflicting classifications (1 of 4 stars). 10 submissions from 10 submitters: Pathogenic (1); Uncertain significance (1); Benign (4); Likely benign (2). 2 of the submissions do not count toward it. Last evaluated 2026-03-01.

Conditions:
SKIN/HAIR/EYE PIGMENTATION, VARIATION IN, 2 (SHEP2). Also called: RED HAIR COLOR; BLOND HAIR/FAIR SKIN; HAIR COLOR 2. Identifiers: MedGen C1849452, OMIM 266300.
Melanoma, cutaneous malignant, susceptibility to, 5. Also called: Cutaneous malignant melanoma 5. Identifiers: Orphanet 618, MedGen C2751295, MONDO:0013133, OMIM 613099.

Allele frequency attached by ClinVar (database versions not stated): 1000 Genomes Project 30x 0.00219; 1000 Genomes Project 0.00260; gnomAD 0.00539 and 0.00553; TOPMed 0.00555.

Submissions (10):

CeGaT Center for Human Genetics Tuebingen
Classification: Benign. Last evaluated: 2026-03-01. Review status: criteria provided, single submitter. Criteria: CeGaT Center For Human Genetics Tuebingen Variant Classification Criteria Version 2. Collection method: clinical testing. Allele origin: germline. Affected: yes. Observed: 7 variant alleles.
Comment: MC1R: PP3, BS1, BS2

Labcorp Genetics (formerly Invitae), Labcorp
Classification: Benign for Melanoma, cutaneous malignant, susceptibility to, 5. Last evaluated: 2026-01-31. Review status: criteria provided, single submitter. Criteria: Invitae Variant Classification Sherloc (09022015). Collection method: clinical testing. Allele origin: germline.

Clinical Genomics Laboratory, Washington University in St. Louis
Classification: Pathogenic for SKIN/HAIR/EYE PIGMENTATION, VARIATION IN, 2. Last evaluated: 2025-11-03. Review status: criteria provided, single submitter. Criteria: ACMG Guidelines, 2015. Collection method: clinical testing. Allele origin: germline. Affected: yes.
Comment: The MC1R c.252C>A (p.Asp84Glu) variant, also known as polymorphism rs1805006 and one of the R alleles in traditional nomenclature, has been reported in association with red hair and fair skin phenotypes (R) (Duffy DL et al., PMID: 14709592; Hepp D et al., PMID: 25794181; Puig-Butillé JA et al., PMID: 23647022; Raimondi S et al., PMID: 18366057). Regarding the odds ratio (OR) for an increased risk of melanoma development, studies were conflicted regarding statistical significance, with carriers of this variant usually having a younger age of onset (Kinsler VA et al., PMID: 22572819; Raimondi S et al., PMID: 18366057; Ricardo F et al., PMID: 18657399; Valverde P et al., PMID: 8894704; Tagliabue E et al., PMID: 26103569; Tagliabue E et al., PMID: 29795986). Additionally, homozygous patients for this variant were associated with increased photoaging (Elfakir A et al., PMID: 19924138). This variant has been reported in the ClinVar database as a germline risk factor by one submitter, as a benign variant by four submitters, as a variant of uncertain significance by two submitters, and as a likely benign variant by three submitters. The highest population minor allele frequency in the Genome Aggregation Database (v2.1.1) is 0.9549% in the European (non-Finnish) population. Computational predictors indicate that the variant is damaging, consistent with evidence correlating with an impact on MC1R function. Functional studies show reduced cell surface expression and decreased ability to elevate intracellular cAMP levels in HEK293 cells stably expressing the variant compared to the wild type, indicating that this variant impacts protein function (Beaumont KA et al., PMID: 17616515). Molecular modelling predicts altered protein folding (Ibarrola-Villava M et al., PMID: 24335900). Based on available information and the ACMG/AMP guidelines for variant interpretation (Richards S et al., PMID: 25741868) and the recommendations for risk allele evidence curation, classification, and reporting from the ClinGen Low Penetrance/Risk Allele Working Group (Schmidt RJ et al., PMID: 38054408), this variant is classified as a risk allele.

ARUP Laboratories, Molecular Genetics and Genomics, ARUP Laboratories
Classification: Likely benign. Last evaluated: 2025-05-23. Review status: criteria provided, single submitter. Criteria: ARUP Molecular Germline Variant Investigation Process 2024. Collection method: clinical testing. Allele origin: germline.

Mayo Clinic Laboratories, Mayo Clinic
Classification: Uncertain significance. Last evaluated: 2022-03-11. Review status: criteria provided, single submitter. Criteria: ACMG Guidelines, 2015. Collection method: clinical testing. Allele origin: germline. Observed: 5 variant alleles.
Comment: PS3_supporting, PS4_moderate

GeneDx
Classification: Benign. Last evaluated: 2018-03-28. Review status: criteria provided, single submitter. Criteria: GeneDx Variant Classification Process June 2021. Collection method: clinical testing. Allele origin: germline. Affected: yes.
Comment: Reported previously in association with increased risk for UV exposure-related melanoma (Puig-Butille et al., 2013; Raimondi et al., 2008); Published functional studies demonstrate a damaging effect: reduced cell surface expression and decreased ability to elevate intracellular cAMP levels (Beaumont et al., 2007); This variant is associated with the following publications: (PMID: 23647022, 11875032, 18366057, 18657399, 22572819, 19924138, 8894704, 26103569, 19656326, 24335900, 17616515, 29405243, 27755135, 30872112, 29795986, 29898205, 30657907, 14757863, 29583157, 29316344, 25159867, 30531825, 31382929, 30414346, 14709592)

Illumina Laboratory Services, Illumina
Classification: Benign for Melanoma, cutaneous malignant, susceptibility to, 5. Last evaluated: 2018-03-06. Review status: criteria provided, single submitter. Criteria: ICSL Variant Classification Criteria 13 December 2019. Collection method: clinical testing. Allele origin: germline.
Comment: This variant was observed in the ICSL laboratory as part of a predisposition screen in an ostensibly healthy population. It had not been previously curated by ICSL or reported in the Human Gene Mutation Database (HGMD: prior to June 1st, 2018), and was therefore a candidate for classification through an automated scoring system. Utilizing variant allele frequency, disease prevalence and penetrance estimates, and inheritance mode, an automated score was calculated to assess if this variant is too frequent to cause the disease. Based on the score and internal cut-off values, a variant classified as benign is not then subjected to further curation. The score for this variant resulted in a classification of benign for this disease.

Breakthrough Genomics
Classification: Likely benign. Review status: criteria provided, single submitter. Criteria: ACMG Guidelines, 2015. Collection method: not provided. Allele origin: germline. Inheritance: Autosomal recessive inheritance. Affected: yes.

OMIM
Classification: risk factor for MELANOMA, CUTANEOUS MALIGNANT, SUSCEPTIBILITY TO, 5. Last evaluated: 1996-10-01. Review status: no assertion criteria provided. Collection method: literature only. Allele origin: germline. Not counted in ClinVar's aggregate classification.

Department of Pathology and Laboratory Medicine, Sinai Health System
Classification: Uncertain significance. Review status: no assertion criteria provided. Collection method: clinical testing. Allele origin: unknown. Affected: yes. Study: The Canadian Open Genetics Repository (COGR). Not counted in ClinVar's aggregate classification.
Comment: The MC1R p.Asp84Glu variant was identified in 15 of 302 proband chromosomes (frequency: 0.0497) from individuals or families with melanoma and was identified in 2 of 298 control chromosomes (frequency: 0.0067) from healthy individuals (Valverde_2016_PMDI:8894704; Matichard_2004_PMID:14757863). The D84E variant has also been associated with red hair and fair skin (Raimondi_2008_PMID:18366057; Beaumont_2007_PMID:17616515). The variant was identified in dbSNP (ID: rs1805006) and ClinVar (classified as benign by Invitae, likely benign by Illumina and likely pathogenic by GeneDx); the variant was not identified in Cosmic or LOVD 3.0. The variant was identified in control databases in 1440 of 280086 chromosomes (7 homozygous) at a frequency of 0.005141 increasing the likelihood this could be a low frequency benign variant (Genome Aggregation Database Feb 27, 2017). The variant was observed in the following populations: European (non-Finnish) in 1222 of 127966 chromosomes (freq: 0.009549), Other in 38 of 7140 chromosomes (freq: 0.005322), Latino in 71 of 35352 chromosomes (freq: 0.002008), Ashkenazi Jewish in 20 of 10324 chromosomes (freq: 0.001937), European (Finnish) in 47 of 24950 chromosomes (freq: 0.001884) and African in 42 of 24236 chromosomes (freq: 0.001733), while the variant was not observed in the East Asian or South Asian populations. In vitro expression studies revealed that the D84E variant has reduced cell surface expression and corresponding impairment in cAMP coupling which is associated with the red hair and fair skin pigmentation phenotype (Beaumont_2007_PMID: 17616515). The p.Asp84 residue is conserved across mammals and other organisms, and four out of five computational analyses (PolyPhen-2, SIFT, AlignGVGD, MutationTaster) suggest that the variant may impact the protein; however, this information is not predictive enough to assume pathogenicity. The variant occurs outside of the splicing consensus sequence and in silico or computational prediction software programs (SpliceSiteFinder, MaxEntScan, NNSPLICE, GeneSplicer) do not predict a difference in splicing. In summary, based on the above information the clinical significance of this variant cannot be determined with certainty at this time. This variant is classified as a variant of uncertain significance.

Literature cited by the submitters: PubMed 8894704 (cited by OMIM).